The following is an entry in ClinVar:

NM_000051.4(ATM):c.248C>A (p.Ser83Ter)

Gene: ATM (ATM serine/threonine kinase; plus strand). Cytogenetic location: 11q22.3.
Variant type: single nucleotide variant.
Coding change: c.248C>A on transcript NM_000051.4 (MANE Select); coding-DNA position 248, C replaced by A.
Protein change: p.Ser83Ter; replaces serine 83 with a stop codon.
Molecular consequence: nonsense.
Genome position (GRCh38, 1-based): chr11:108,229,240, C>A. VCF-style: chr11-108229240-C-A. GRCh37 (hg19) VCF-style: chr11-108099967-C-A.
Other names: c.248C>A, p.Ser83Ter (NM_001351834.2, NM_001351835.2, NM_001351836.2); short protein forms S83*.
Identifiers: ClinVar variation 4169610 (VCV004169610.1).
Genomic context (GRCh38, chr11:108,229,240, plus strand): 5'-TTTTACAGAAATATATTCAGAAAGAAACAGAATGTCTGAGAATAGCAAAACCAAATGTAT[C>A]AGCCTCAACACAAGCCTCCAGGCAGAAAAAGATGCAGGAAATCAGTAGTTTGGTCAAATA-3'

ClinVar aggregate classification (germline): Pathogenic (1 of 4 stars; one submission).

Conditions:
Hereditary cancer-predisposing syndrome. Also called: Neoplastic Syndromes, Hereditary; Tumor predisposition; Hereditary Cancer Syndrome; Hereditary neoplastic syndrome. Identifiers: Orphanet 140162, MedGen C0027672, MeSH D009386, MONDO:0015356.

Submission:

Ambry Genetics
Classification: Pathogenic for Hereditary cancer-predisposing syndrome. Last evaluated: 2025-08-14. Review status: criteria provided, single submitter. Criteria: Ambry Variant Classification Scheme 2023. Collection method: clinical testing. Allele origin: germline.
Comment: The p.S83* pathogenic mutation (also known as c.248C>A), located in coding exon 3 of the ATM gene, results from a C to A substitution at nucleotide position 248. This changes the amino acid from a serine to a stop codon within coding exon 3. This variant is considered to be rare based on population cohorts in the Genome Aggregation Database (gnomAD). This alteration is expected to result in loss of function by premature protein truncation or nonsense-mediated mRNA decay. As such, this alteration is interpreted as a disease-causing mutation.